The following is an entry in ClinVar:

NM_016156.6(MTMR2):c.240A>C (p.Pro80=)

Gene: MTMR2 (myotubularin related protein 2; minus strand). Cytogenetic location: 11q21.
Variant type: single nucleotide variant.
Coding change: c.240A>C on transcript NM_016156.6 (MANE Select); coding-DNA position 240, A replaced by C.
Protein change: p.Pro80=; no amino-acid change (proline 80 retained).
Molecular consequence: synonymous variant.
Genome position (GRCh38, 1-based): chr11:95,865,623, T>G on the plus strand (A>C on the coding strand, the complement: MTMR2 is on the minus strand). VCF-style: chr11-95865623-T-G. GRCh37 (hg19) VCF-style: chr11-95598787-T-G.
Other names: p.Pro80=; c.24A>C, p.Pro8= (NM_001243571.2, NM_201278.3, NM_201281.3).
Identifiers: ClinVar variation 414070 (VCV000414070.20), dbSNP rs201920176, ClinGen allele CA6240417.
Genomic context (GRCh38, chr11:95,865,623, plus strand): 5'-ACGGAGAAGGACATTAAGCAAAAAATACCATTACGGACCCATGTCTTTAATATTTTCTCC[T>G]GGAAGCAAGGGTGGTTCTTCCATTTCTGCTAACTTGTTAGACTCCCTCAGGACCTGGGGT-3'
Protein context (NP_057240.3, residues 70-90): LAEMEEPPLL[Pro80=]GENIKDMAKD

ClinVar aggregate classification (germline): Benign/Likely benign. Review status: criteria provided, multiple submitters, no conflicts (2 of 4 stars). 6 submissions from 6 submitters: Benign (1); Likely benign (5). Last evaluated 2026-01-04.

Conditions:
MTMR2-related disorder. Also called: MTMR2-related condition.
Inborn genetic diseases. Identifiers: MedGen C0950123, MeSH D030342.
Charcot-Marie-Tooth disease. Also called: Charcot-Marie-Tooth Neuropathy; Charcot-Marie-Tooth Hereditary Neuropathy. Identifiers: Orphanet 166, MedGen C0007959, MONDO:0015626.
Charcot-Marie-Tooth disease type 4. Also called: Charcot-Marie-Tooth disease, type IV; Charcot-Marie-Tooth, Type 4. Identifiers: Orphanet 64749, MedGen C4082197, MONDO:0018995.
Charcot-Marie-Tooth disease type 4B1. Also called: CHARCOT-MARIE-TOOTH DISEASE, AUTOSOMAL RECESSIVE, WITH FOCALLY FOLDED MYELIN SHEATHS, AUTOSOMAL RECESSIVE, TYPE 4B1; CHARCOT-MARIE-TOOTH DISEASE, TYPE 4B; CHARCOT-MARIE-TOOTH DISEASE, DEMYELINATING, TYPE 4B1; Charcot-Marie-Tooth Neuropathy Type 4B1. Identifiers: Orphanet 99955, MedGen C1832399, MONDO:0011066, OMIM 601382.

Allele frequency attached by ClinVar (database versions not stated): gnomAD 0.00001 and 0.00015; TOPMed 0.00002; gnomAD exomes 0.00031 and 0.00062; 1000 Genomes Project 0.00040; 1000 Genomes Project 30x 0.00047; ExAC 0.00080.

Submissions (6):

Labcorp Genetics (formerly Invitae), Labcorp
Classification: Benign for Charcot-Marie-Tooth disease type 4. Last evaluated: 2026-01-04. Review status: criteria provided, single submitter. Criteria: Invitae Variant Classification Sherloc (09022015). Collection method: clinical testing. Allele origin: germline.

PreventionGenetics, part of Exact Sciences
Classification: Likely benign for MTMR2-related condition. Last evaluated: 2025-11-12. Review status: criteria provided, single submitter. Criteria: ACMG Guidelines, 2015. Collection method: clinical testing. Allele origin: germline.
Comment: This variant is classified as likely benign based on ACMG/AMP sequence variant interpretation guidelines (Richards et al. 2015 PMID: 25741868, with internal and published modifications).

Mayo Clinic Laboratories, Mayo Clinic
Classification: Likely benign. Last evaluated: 2025-05-27. Review status: criteria provided, single submitter. Criteria: ACMG Guidelines, 2015. Collection method: clinical testing. Allele origin: germline. Observed: 1 variant allele.
Comment: BS1, BP4, BP7

Ambry Genetics
Classification: Likely benign for Inborn genetic diseases. Last evaluated: 2019-07-11. Review status: criteria provided, single submitter. Criteria: Ambry Variant Classification Scheme 2023. Collection method: clinical testing. Allele origin: germline.

Illumina Laboratory Services, Illumina
Classification: Likely benign for Charcot-Marie-Tooth disease type 4B1. Last evaluated: 2018-01-12. Review status: criteria provided, single submitter. Criteria: ICSL Variant Classification Criteria 13 December 2019. Collection method: clinical testing. Allele origin: germline.
Comment: This variant was observed in the ICSL laboratory as part of a predisposition screen in an ostensibly healthy population. It had not been previously curated by ICSL or reported in the Human Gene Mutation Database (HGMD: prior to June 1st, 2018), and was therefore a candidate for classification through an automated scoring system. Utilizing variant allele frequency, disease prevalence and penetrance estimates, and inheritance mode, an automated score was calculated to assess if this variant is too frequent to cause the disease. Based on the score and internal cut-off values, a variant classified as likely benign is not then subjected to further curation. The score for this variant resulted in a classification of likely benign for this disease.

Molecular Genetics Laboratory, London Health Sciences Centre
Classification: Likely benign for Charcot-Marie-Tooth disease. Review status: criteria provided, single submitter. Criteria: ACMG Guidelines, 2015. Collection method: clinical testing. Allele origin: germline. Affected: yes.